The following is an entry in ClinVar:

ClinVar aggregate classification (germline): Uncertain significance (1 of 4 stars; one submission).

Conditions:
Hereditary cancer-predisposing syndrome. Also called: Tumor predisposition; Hereditary Cancer Syndrome; Hereditary neoplastic syndrome; Neoplastic Syndromes, Hereditary. Identifiers: Orphanet 140162, MedGen C0027672, MeSH D009386, MONDO:0015356.

Submissions (2):

Ambry Genetics
Classification: Uncertain significance for Hereditary cancer-predisposing syndrome. Last evaluated: 2025-02-01. Review status: criteria provided, single submitter. Criteria: Ambry Variant Classification Scheme 2023. Collection method: clinical testing. Allele origin: germline.
Comment: The p.N1730I variant (also known as c.5189A>T), located in coding exon 17 of the BRCA1 gene, results from an A to T substitution at nucleotide position 5189. The asparagine at codon 1730 is replaced by isoleucine, an amino acid with dissimilar properties. This amino acid position is poorly conserved in available vertebrate species. In addition, the in silico prediction for this alteration is inconclusive. Since supporting evidence is limited at this time, the clinical significance of this alteration remains unclear.

Brotman Baty Institute, University of Washington
No classification provided (evidence only). Condition: Breast-ovarian cancer, familial 1. Review status: no classification provided. Collection method: in vitro. Allele origin: not applicable. Functional consequence: functionally_normal. Not counted in ClinVar's aggregate classification.
ClinVar note: "not provided" was previously submitted as the classification for the variant. However, the classification appeared to be based only on an observation of functional data so it was converted to no classification on 2025-07-30.

NM_007294.4(BRCA1):c.5189A>T (p.Asn1730Ile)

Gene: BRCA1 (BRCA1 DNA repair associated; minus strand). Cytogenetic location: 17q21.31.
Variant type: single nucleotide variant.
Coding change: c.5189A>T on transcript NM_007294.4 (MANE Select); coding-DNA position 5189, A replaced by T.
Protein change: p.Asn1730Ile; replaces asparagine 1730 with isoleucine.
Molecular consequence: missense variant. On other transcripts: non-coding transcript variant (1).
Genome position (GRCh38, 1-based): chr17:43,063,337, T>A on the plus strand (A>T on the coding strand, the complement: BRCA1 is on the minus strand). VCF-style: chr17-43063337-T-A. GRCh37 (hg19) VCF-style: chr17-41215354-T-A.
Other names: c.5189A>T, p.Asn1730Ile (NM_001407593.1, NM_001407594.1, NM_001407596.1 and 7 more transcripts); c.5186A>T, p.Asn1729Ile (NM_001407610.1, NM_001407611.1, NM_001407622.1 and 17 more transcripts); c.5183A>T, p.Asn1728Ile (NM_001407627.1, NM_001407628.1, NM_001407629.1 and 14 more transcripts); c.5180A>T, p.Asn1727Ile (NM_001407644.1, NM_001407645.1); c.5177A>T, p.Asn1726Ile (NM_001407646.1); c.5174A>T, p.Asn1725Ile (NM_001407647.1); c.5132A>T, p.Asn1711Ile (NM_001407648.1); c.5129A>T, p.Asn1710Ile (NM_001407649.1); and 72 more; short protein forms N1730I, N1751I, N1683I, N626I, N1434I, N1603I, N1617I, N1619I.
Identifiers: ClinVar variation 485403 (VCV000485403.10), dbSNP rs80357171, ClinGen allele CA10591163.